The following is an entry in ClinVar:

NM_004565.3(PEX14):c.513C>A (p.Ala171=)

Genes: PEX14 (peroxisomal biogenesis factor 14; plus strand), LOC126805616 (CDK7 strongly-dependent group 2 enhancer GRCh37_chr1:10683990-10685189; plus strand). Cytogenetic location: 1p36.22.
Variant type: single nucleotide variant.
Coding change: c.513C>A on transcript NM_004565.3 (MANE Select); coding-DNA position 513, C replaced by A.
Protein change: p.Ala171=; no amino-acid change (alanine 171 retained).
Molecular consequence: synonymous variant.
Genome position (GRCh38, 1-based): chr1:10,624,365, C>A. VCF-style: chr1-10624365-C-A. GRCh37 (hg19) VCF-style: chr1-10684422-C-A.
Identifiers: ClinVar variation 291678 (VCV000291678.20), dbSNP rs35046754, ClinGen allele CA583881.
Genomic context (GRCh38, chr1:10,624,365, plus strand): 5'-AATTTGCCAGCGCCGTGACTGCTTTCTCCTCGCAGTGACTCAGTTACAGACGACCCTCGC[C>A]TCCGTCCAGGAGCTGCTGATTCAGCAGCAGCAGAAGATCCAGGAGCTTGCCCACGAGCTG-3'
Protein context (NP_004556.1, residues 161-181): QTVTQLQTTL[Ala171=]SVQELLIQQQ

ClinVar aggregate classification (germline): Benign. Review status: criteria provided, multiple submitters, no conflicts (2 of 4 stars). 4 submissions from 4 submitters: Benign (3). 1 of the submissions does not count toward it. Last evaluated 2026-02-03.

Conditions:
Peroxisome biogenesis disorder, complementation group K (CGK). Identifiers: MedGen C1866257, MONDO:0800365.
Peroxisome biogenesis disorder 13A (Zellweger). Also called: Peroxisome biogenesis disorder 13A. Identifiers: Orphanet 912, MedGen C3554004, MONDO:0013952, OMIM 614887.

Allele frequency attached by ClinVar (database versions not stated): ExAC 0.00416; 1000 Genomes Project 0.01258; gnomAD 0.01259 and 0.01363; 1000 Genomes Project 30x 0.01405; TOPMed 0.01462; ESP Exome Variant Server 0.01622.
gnomAD v4.1: 3,749 of 1,613,334 alleles (0.23%); highest among the groups gnomAD compares: African/African-American, 4.4%; 89 homozygotes.

Submissions (4):

Labcorp Genetics (formerly Invitae), Labcorp
Classification: Benign for Peroxisome biogenesis disorder, complementation group K. Last evaluated: 2026-02-03. Review status: criteria provided, single submitter. Criteria: Invitae Variant Classification Sherloc (09022015). Collection method: clinical testing. Allele origin: germline.

Illumina Laboratory Services, Illumina
Classification: Benign for Peroxisome biogenesis disorder 13A (Zellweger). Last evaluated: 2018-01-13. Review status: criteria provided, single submitter. Criteria: ICSL Variant Classification Criteria 13 December 2019. Collection method: clinical testing. Allele origin: germline.
Comment: This variant was observed in the ICSL laboratory as part of a predisposition screen in an ostensibly healthy population. It had not been previously curated by ICSL or reported in the Human Gene Mutation Database (HGMD: prior to June 1st, 2018), and was therefore a candidate for classification through an automated scoring system. Utilizing variant allele frequency, disease prevalence and penetrance estimates, and inheritance mode, an automated score was calculated to assess if this variant is too frequent to cause the disease. Based on the score and internal cut-off values, a variant classified as benign is not then subjected to further curation. The score for this variant resulted in a classification of benign for this disease.

Breakthrough Genomics
Classification: Benign. Review status: criteria provided, single submitter. Criteria: ACMG Guidelines, 2015. Collection method: not provided. Allele origin: germline. Inheritance: Autosomal recessive inheritance. Affected: yes.

Mayo Clinic Laboratories, Mayo Clinic
Classification: Benign. Last evaluated: 2018-02-15. Review status: no assertion criteria provided. Collection method: clinical testing. Allele origin: unknown. Not counted in ClinVar's aggregate classification.